The following is an entry in ClinVar:

NM_004928.3(CFAP410):c.642+22G>A

Gene: CFAP410 (cilia and flagella associated protein 410; minus strand). Cytogenetic location: 21q22.3.
Variant type: single nucleotide variant.
Coding change: c.642+22G>A on transcript NM_004928.3 (MANE Select); 22 bases into the intron after coding-DNA position 642, G replaced by A.
Molecular consequence: intron variant. On other transcripts: missense variant (1).
Genome position (GRCh38, 1-based): chr21:44,330,801, C>T on the plus strand (G>A on the coding strand, the complement: CFAP410 is on the minus strand). VCF-style: chr21-44330801-C-T. GRCh37 (hg19) VCF-style: chr21-45750684-C-T.
Other names: c.661G>A, p.Ala221Thr (NM_001271441.2); c.639+22G>A (NM_001271440.2); c.516+22G>A (NM_001271442.1); short protein forms A221T.
Identifiers: ClinVar variation 981017 (VCV000981017.3), dbSNP rs746114248, ClinGen allele CA10053571.

ClinVar aggregate classification (germline): Uncertain significance (1 of 4 stars; one submission).

Conditions:
Amyotrophic lateral sclerosis (ALS). Also called: Charcot disease; Lou Gehrig disease. Identifiers: Orphanet 803, MedGen C0002736, MONDO:0004976, HP:0007354.

Allele frequency attached by ClinVar (database versions not stated): gnomAD 0.00001; gnomAD exomes 0.00001; TOPMed 0.00002.
gnomAD v4.1: 16 of 1,573,574 alleles (0.001%); highest among the groups gnomAD compares: Non-Finnish European, 0.0014%; no homozygotes.

Submission:

UM ALS/MND Lab, University Of Malta
Classification: Uncertain significance for Amyotrophic lateral sclerosis. Last evaluated: 2020-09-09. Review status: criteria provided, single submitter. Criteria: ACMG Guidelines, 2015. Collection method: case-control. Allele origin: unknown. Affected: yes. Observed: 1 variant allele.
Comment: Single heterozygote